The following is an entry in ClinVar:

ClinVar aggregate classification (germline): Uncertain significance (0 of 4 stars; one submission).

Conditions:
PDCD10-related disorder. Also called: PDCD10-related condition.

Submission:

PreventionGenetics, part of Exact Sciences
Classification: Uncertain significance for PDCD10-related condition. Last evaluated: 2024-01-05. Review status: no assertion criteria provided. Collection method: clinical testing. Allele origin: germline.
Comment: The PDCD10 c.150G>A is a noncoding alteration. Based on available splicing prediction programs (Alamut Visual Plus v1.6.1) this variant is predicted to weaken the consensus splice donor site; however, to date this prediction has not been proven by functional studies. To our knowledge, this variant has not been reported in the literature or in a large population database, indicating this variant is rare. At this time, the clinical significance of this variant is uncertain due to the absence of conclusive functional and genetic evidence.

NM_007217.4(PDCD10):c.150G>A (p.Lys50=)

Gene: PDCD10 (programmed cell death 10; minus strand). Cytogenetic location: 3q26.1.
Variant type: single nucleotide variant.
Coding change: c.150G>A on transcript NM_007217.4 (MANE Select); coding-DNA position 150, G replaced by A.
Protein change: p.Lys50=; no amino-acid change (lysine 50 retained).
Molecular consequence: synonymous variant.
Genome position (GRCh38, 1-based): chr3:167,704,842, C>T on the plus strand (G>A on the coding strand, the complement: PDCD10 is on the minus strand). VCF-style: chr3-167704842-C-T. GRCh37 (hg19) VCF-style: chr3-167422630-C-T.
Other names: c.150G>A, p.Lys50= (NM_145859.2, NM_145860.2).
Identifiers: ClinVar variation 3058354 (VCV003058354.2), dbSNP rs2475799219, ClinGen allele CA436845444.